The following is an entry in ClinVar:

NM_000285.4(PEPD):c.826G>A (p.Asp276Asn)

Gene: PEPD (peptidase D; minus strand). Cytogenetic location: 19q13.11.
Variant type: single nucleotide variant.
Coding change: c.826G>A on transcript NM_000285.4 (MANE Select); coding-DNA position 826, G replaced by A.
Protein change: p.Asp276Asn; replaces aspartic acid 276 with asparagine.
Molecular consequence: missense variant.
Genome position (GRCh38, 1-based): chr19:33,401,862, C>T on the plus strand (G>A on the coding strand, the complement: PEPD is on the minus strand). VCF-style: chr19-33401862-C-T. GRCh37 (hg19) VCF-style: chr19-33892768-C-T.
Other names: c.703G>A, p.Asp235Asn (NM_001166056.2); c.634G>A, p.Asp212Asn (NM_001166057.2); short protein forms D276N, D212N, D235N.
Identifiers: ClinVar variation 208 (VCV000000208.13), dbSNP rs121917721, ClinGen allele CA214908.

ClinVar aggregate classification (germline): Pathogenic/Likely pathogenic. Review status: criteria provided, multiple submitters, no conflicts (2 of 4 stars). 5 submissions from 5 submitters: Pathogenic (3); Likely pathogenic (1). 1 of the submissions does not count toward it. Last evaluated 2026-01-27.

Conditions:
PEPD-related disorder. Also called: PEPD-related condition.
Inborn errors of metabolism. Also called: Inborn error of metabolism. Identifiers: Orphanet 68367, MedGen C0025521, MONDO:0019052.
Prolidase deficiency. Identifiers: Orphanet 742, MedGen C0268532, MONDO:0008221, OMIM 170100.

Allele frequency attached by ClinVar (database versions not stated): gnomAD exomes 0.00002; ExAC 0.00004; TOPMed 0.00007.
gnomAD v4.1: 80 of 1,612,962 alleles (0.005%); highest among the groups gnomAD compares: African/African-American, 0.0093%; no homozygotes.

Submissions (5):

Labcorp Genetics (formerly Invitae), Labcorp
Classification: Pathogenic. Last evaluated: 2026-01-27. Review status: criteria provided, single submitter. Criteria: Invitae Variant Classification Sherloc (09022015). Collection method: clinical testing. Allele origin: germline.
Comment: This sequence change replaces aspartic acid, which is acidic and polar, with asparagine, which is neutral and polar, at codon 276 of the PEPD protein (p.Asp276Asn). This variant is present in population databases (rs121917721, gnomAD 0.01%). This missense change has been observed in individual(s) with prolidase deficiency (PMID: 2365824, 17142620). ClinVar contains an entry for this variant (Variation ID: 208). Invitae Evidence Modeling of protein sequence and biophysical properties (such as structural, functional, and spatial information, amino acid conservation, physicochemical variation, residue mobility, and thermodynamic stability) indicates that this missense variant is expected to disrupt PEPD protein function with a positive predictive value of 95%. Experimental studies have shown that this missense change affects PEPD function (PMID: 2365824). For these reasons, this variant has been classified as Pathogenic.

North West Genomic Laboratory Hub, Manchester University NHS Foundation Trust
Classification: Pathogenic for Inborn error of metabolism. Last evaluated: 2025-08-05. Review status: criteria provided, single submitter. Criteria: ACGS Best Practice Guidelines for Variant Classification in Rare Disease 2024. Collection method: clinical testing. Allele origin: germline. Affected: yes.
Comment: PM2_Mod PP3_Supp PP4_Str PM3_Mod PS3_Supp

GeneDx
Classification: Pathogenic. Last evaluated: 2025-06-01. Review status: criteria provided, single submitter. Criteria: GeneDx Variant Classification Process June 2021. Collection method: clinical testing. Allele origin: germline. Affected: yes.
Comment: Published functional studies demonstrate a damaging effect with severely impaired catalytic activity when compared to wild type (PMID: 2365824); In silico analysis supports that this missense variant has a deleterious effect on protein structure/function; This variant is associated with the following publications: (PMID: 31107408, 18340504, 29930383, 30066404, 15309682, 10721675, 31588604, 2365824, 33726816, 17142620)

Blueprint Genetics
Classification: Likely pathogenic for PEPD-related disorders. Last evaluated: 2024-11-25. Review status: criteria provided, single submitter. Criteria: ACMG Guidelines, 2015. Collection method: clinical testing. Allele origin: germline. Affected: yes. Observed: 4 variant alleles.

OMIM
Classification: Pathogenic for PROLIDASE DEFICIENCY. Last evaluated: 1990-07-01. Review status: no assertion criteria provided. Collection method: literature only. Allele origin: germline. Not counted in ClinVar's aggregate classification.

Literature cited by the submitters: PubMed 2365824 (cited by Labcorp Genetics (formerly Invitae), Labcorp and OMIM); PubMed 17142620 (cited by Labcorp Genetics (formerly Invitae), Labcorp).